The following is an entry in ClinVar:

NM_000488.4(SERPINC1):c.763-1G>A

Gene: SERPINC1 (serpin family C member 1; minus strand). Cytogenetic location: 1q25.1.
Variant type: single nucleotide variant.
Coding change: c.763-1G>A on transcript NM_000488.4 (MANE Select); the canonical splice acceptor site of the intron before coding-DNA position 763, G replaced by A.
Molecular consequence: splice acceptor variant. On other transcripts: intron variant (1).
Genome position (GRCh38, 1-based): chr1:173,909,943, C>T on the plus strand (G>A on the coding strand, the complement: SERPINC1 is on the minus strand). VCF-style: chr1-173909943-C-T. GRCh37 (hg19) VCF-style: chr1-173879081-C-T.
Other names: p.?; c.844-1G>A (NM_001386303.1); c.547-1G>A (NM_001386306.1); c.742-1G>A (NM_001386304.1); c.763-58G>A (NM_001386305.1); c.886-1G>A (NM_001386302.1); c.619-1G>A (NM_001365052.2).
Identifiers: ClinVar variation 4541917 (VCV004541917.1).

ClinVar aggregate classification (germline): Likely pathogenic (1 of 4 stars; one submission).

Submission:

Mayo Clinic Laboratories, Mayo Clinic
Classification: Likely pathogenic. Last evaluated: 2024-11-26. Review status: criteria provided, single submitter. Criteria: ACMG Guidelines, 2015. Collection method: clinical testing. Allele origin: germline. Observed: 3 variant alleles.
Comment: PP1, PM2_supporting, PS4_supporting, PVS1_strong

Literature cited by the submitters: PubMed 28317092; PubMed 29902631.